The following is an entry in ClinVar:

NM_025216.3(WNT10A):c.1183C>T (p.Arg395Cys)

Gene: WNT10A (Wnt family member 10A; plus strand). Cytogenetic location: 2q35.
Variant type: single nucleotide variant.
Coding change: c.1183C>T on transcript NM_025216.3 (MANE Select); coding-DNA position 1183, C replaced by T.
Protein change: p.Arg395Cys; replaces arginine 395 with cysteine.
Molecular consequence: missense variant.
Genome position (GRCh38, 1-based): chr2:218,893,200, C>T. VCF-style: chr2-218893200-C-T. GRCh37 (hg19) VCF-style: chr2-219757922-C-T.
Other names: short protein forms R395C.
Identifiers: ClinVar variation 4783668 (VCV004783668.1).

ClinVar aggregate classification (germline): Uncertain significance (1 of 4 stars; one submission).

Conditions:
Tooth agenesis, selective, 4 (STHAG4). Also called: LATERAL INCISORS, ABSENCE OF; LATERAL INCISORS, PEGGED OR MISSING; SUCCEDANEOUS TEETH, AGENESIS OF; TOOTH AGENESIS, SELECTIVE, 4, WITH OR WITHOUT ECTODERMAL DYSPLASIA. Identifiers: Orphanet 99798, MedGen C1835492, MONDO:0007881, OMIM 150400. Disease mechanism: loss of function.
Odonto-onycho-dermal dysplasia. Identifiers: Orphanet 2721, MedGen C0796093, MONDO:0009773, OMIM 257980.

gnomAD v4.1: 33 of 1,577,750 alleles (0.0021%); highest among the groups gnomAD compares: African/African-American, 0.044%; no homozygotes.

Submission:

Labcorp Genetics (formerly Invitae), Labcorp
Classification: Uncertain significance for Tooth agenesis, selective, 4; Odonto-onycho-dermal dysplasia. Last evaluated: 2026-01-27. Review status: criteria provided, single submitter. Criteria: Invitae Variant Classification Sherloc (09022015). Collection method: clinical testing. Allele origin: germline.
Comment: This sequence change replaces arginine, which is basic and polar, with cysteine, which is neutral and slightly polar, at codon 395 of the WNT10A protein (p.Arg395Cys). This variant is present in population databases (rs561485190, gnomAD 0.05%). This variant has not been reported in the literature in individuals affected with WNT10A-related conditions. Invitae Evidence Modeling of protein sequence and biophysical properties (such as structural, functional, and spatial information, amino acid conservation, physicochemical variation, residue mobility, and thermodynamic stability) indicates that this missense variant is expected to disrupt WNT10A protein function with a positive predictive value of 80%. In summary, the available evidence is currently insufficient to determine the role of this variant in disease. Therefore, it has been classified as a Variant of Uncertain Significance.